The following is an entry in ClinVar:

ClinVar aggregate classification (germline): Uncertain significance (1 of 4 stars; one submission).

Conditions:
NRP1-related disorder. Also called: NRP1-related condition.

gnomAD v4.1: 44 of 1,613,918 alleles (0.0027%); highest among the groups gnomAD compares: East Asian, 0.0045%; no homozygotes.

Submission:

PreventionGenetics, part of Exact Sciences
Classification: Uncertain significance for NRP1-related condition. Last evaluated: 2026-07-20. Review status: criteria provided, single submitter. Criteria: ACMG Guidelines, 2015. Collection method: clinical testing. Allele origin: germline.
Comment: The NRP1 c.1603C>T variant is predicted to result in the amino acid substitution p.Arg535Cys. To our knowledge, this variant has not been reported in the literature. This variant is reported in 0.0050% of alleles in individuals of East Asian descent in gnomAD. At this time, the clinical significance of this variant is uncertain due to the absence of conclusive functional and genetic evidence.

NM_003873.7(NRP1):c.1603C>T (p.Arg535Cys)

Gene: NRP1 (neuropilin 1; minus strand). Cytogenetic location: 10p11.22.
Variant type: single nucleotide variant.
Coding change: c.1603C>T on transcript NM_003873.7 (MANE Select); coding-DNA position 1603, C replaced by T.
Protein change: p.Arg535Cys; replaces arginine 535 with cysteine.
Molecular consequence: missense variant. On other transcripts: non-coding transcript variant (1).
Genome position (GRCh38, 1-based): chr10:33,213,397, G>A on the plus strand (C>T on the coding strand, the complement: NRP1 is on the minus strand). VCF-style: chr10-33213397-G-A. GRCh37 (hg19) VCF-style: chr10-33502325-G-A.
Other names: c.1603C>T, p.Arg535Cys (NM_001024628.3, NM_001024629.3, NM_001244972.2 and 2 more transcripts); short protein forms R535C.
Identifiers: ClinVar variation 4981114 (VCV004981114.1).
Genomic context (GRCh38, chr10:33,213,397, plus strand): 5'-TGAAGTCAAGGACATAAGGGATGACCTCCTCCCAGTCCCCAGCCCTCACCTTCGCCTTGC[G>A]TTTGCTGTCATCCATGATCATCTTCCAGTCCGAGCCGTTGTTGCTGTACCCGATCTTGAA-3'
Protein context (NP_003864.5, residues 525-545): DWKMIMDDSK[Arg535Cys]KAKSFEGNNN